The following is an entry in ClinVar:

NM_182914.3(SYNE2):c.19025G>A (p.Arg6342Gln)

Gene: SYNE2 (spectrin repeat containing nuclear envelope protein 2; plus strand). Cytogenetic location: 14q23.2.
Variant type: single nucleotide variant.
Coding change: c.19025G>A on transcript NM_182914.3 (MANE Select); coding-DNA position 19025, G replaced by A.
Protein change: p.Arg6342Gln; replaces arginine 6342 with glutamine.
Molecular consequence: missense variant.
Genome position (GRCh38, 1-based): chr14:64,212,974, G>A. VCF-style: chr14-64212974-G-A. GRCh37 (hg19) VCF-style: chr14-64679692-G-A.
Other names: c.19025G>A, p.Arg6342Gln (NM_015180.6); short protein forms R6342Q.
Identifiers: ClinVar variation 936889 (VCV000936889.35), dbSNP rs987547244, ClinGen allele CA261825395.

ClinVar aggregate classification (germline): Uncertain significance. Review status: criteria provided, multiple submitters, no conflicts (2 of 4 stars). 3 submissions from 3 submitters: Uncertain significance (3). Last evaluated 2026-04-01.

Conditions:
Emery-Dreifuss muscular dystrophy 5, autosomal dominant (EDMD5). Also called: EMERY-DREIFUSS MUSCULAR DYSTROPHY 5. Identifiers: Orphanet 261, MedGen C2751805, MONDO:0013072, OMIM 612999.

Allele frequency attached by ClinVar (database versions not stated): gnomAD exomes below 0.00001 and 0.00002; gnomAD 0.00001; TOPMed 0.00002.
gnomAD v4.1: 27 of 1,613,800 alleles (0.0017%); highest among the groups gnomAD compares: Middle Eastern, 0.034%; no homozygotes.

Submissions (3):

CeGaT Center for Human Genetics Tuebingen
Classification: Uncertain significance. Last evaluated: 2026-04-01. Review status: criteria provided, single submitter. Criteria: CeGaT Center For Human Genetics Tuebingen Variant Classification Criteria Version 2. Collection method: clinical testing. Allele origin: germline. Affected: yes. Observed: 2 variant alleles.

Ambry Genetics
Classification: Uncertain significance. Last evaluated: 2023-06-14. Review status: criteria provided, single submitter. Criteria: Ambry Variant Classification Scheme 2023. Collection method: clinical testing. Allele origin: germline.

Labcorp Genetics (formerly Invitae), Labcorp
Classification: Uncertain significance for Emery-Dreifuss muscular dystrophy 5, autosomal dominant. Last evaluated: 2021-04-23. Review status: criteria provided, single submitter. Criteria: Invitae Variant Classification Sherloc (09022015). Collection method: clinical testing. Allele origin: germline.
Comment: In summary, the available evidence is currently insufficient to determine the role of this variant in disease. Therefore, it has been classified as a Variant of Uncertain Significance. Algorithms developed to predict the effect of missense changes on protein structure and function are either unavailable or do not agree on the potential impact of this missense change (SIFT: "Tolerated"; PolyPhen-2: "Possibly Damaging"; Align-GVGD: "Class C0"). This variant has not been reported in the literature in individuals with SYNE2-related conditions. This variant is not present in population databases (ExAC no frequency). This sequence change replaces arginine with glutamine at codon 6342 of the SYNE2 protein (p.Arg6342Gln). The arginine residue is moderately conserved and there is a small physicochemical difference between arginine and glutamine.